The following is an entry in ClinVar:

ClinVar aggregate classification (germline): Uncertain significance (1 of 4 stars; one submission).

Conditions:
Multiple congenital exostosis (EXT). Also called: Multiple osteochondromas; Hereditary multiple exostoses; Hereditary multiple exostosis; MULTIPLE CARTILAGINOUS EXOSTOSES; Hereditary multiple osteochondromas; Multiple exostoses. Identifiers: Orphanet 321, MedGen C0015306, MONDO:0005508, HP:0002762.

Allele frequency attached by ClinVar (database versions not stated): gnomAD 0.00001; TOPMed 0.00002.
gnomAD v4.1: 1 of 1,614,050 alleles (0.000062%); highest among the groups gnomAD compares: African/African-American, 0.0013%; no homozygotes.

Submission:

St. Jude Molecular Pathology, St. Jude Children's Research Hospital
Classification: Uncertain significance for Multiple congenital exostosis. Last evaluated: 2021-10-07. Review status: criteria provided, single submitter. Criteria: St. Jude Assertion Criteria 2020. Collection method: clinical testing. Allele origin: germline.
Comment: The EXT1 c.725C>T (p.Pro242Leu) missense change is absent in gnomAD v2.1.1 (PM2_supporting). Five of seven in silico tools predict a deleterious effect of this variant on protein function (PP3), but to our knowledge these predictions have not been confirmed by functional studies. To our knowledge, this variant has not been reported in individuals with hereditary multiple exostoses. In summary, this variant meets criteria to be classified as of uncertain significance based on the ACMG/AMP criteria: PM2_supporting, PP3.

NM_000127.3(EXT1):c.725C>T (p.Pro242Leu)

Gene: EXT1 (exostosin glycosyltransferase 1; minus strand). Cytogenetic location: 8q24.11.
Variant type: single nucleotide variant.
Coding change: c.725C>T on transcript NM_000127.3 (MANE Select); coding-DNA position 725, C replaced by T.
Protein change: p.Pro242Leu; replaces proline 242 with leucine.
Molecular consequence: missense variant.
Genome position (GRCh38, 1-based): chr8:118,110,322, G>A on the plus strand (C>T on the coding strand, the complement: EXT1 is on the minus strand). VCF-style: chr8-118110322-G-A. GRCh37 (hg19) VCF-style: chr8-119122561-G-A.
Other names: short protein forms P242L.
Identifiers: ClinVar variation 1320290 (VCV001320290.3), dbSNP rs906230630, ClinGen allele CA184682433.